The following is an entry in ClinVar:

ClinVar aggregate classification (germline): Benign (1 of 4 stars; one submission).

Allele frequency attached by ClinVar (database versions not stated): 1000 Genomes Project 30x 0.73376; 1000 Genomes Project 0.74062; gnomAD 0.75380 and 0.75537; TOPMed 0.75450.
gnomAD v4.1: 115,100 of 152,134 alleles (76%); highest among the groups gnomAD compares: Admixed American, 83%; 44,070 homozygotes.

Submission:

GeneDx
Classification: Benign. Last evaluated: 2018-06-14. Review status: criteria provided, single submitter. Criteria: GeneDx Variant Classification (06012015). Collection method: clinical testing. Allele origin: germline. Affected: yes.
Comment: This variant is considered likely benign or benign based on one or more of the following criteria: it is a conservative change, it occurs at a poorly conserved position in the protein, it is predicted to be benign by multiple in silico algorithms, and/or has population frequency not consistent with disease.

NM_001377.3(DYNC2H1):c.9232-204A>T

Gene: DYNC2H1 (dynein cytoplasmic 2 heavy chain 1; plus strand). Cytogenetic location: 11q22.3.
Variant type: single nucleotide variant.
Coding change: c.9232-204A>T on transcript NM_001377.3 (MANE Select); 204 bases into the intron before coding-DNA position 9232, A replaced by T.
Molecular consequence: intron variant.
Genome position (GRCh38, 1-based): chr11:103,222,761, A>T. VCF-style: chr11-103222761-A-T. GRCh37 (hg19) VCF-style: chr11-103093490-A-T.
Other names: c.9232-204A>T (NM_001080463.2).
Identifiers: ClinVar variation 667746 (VCV000667746.1), dbSNP rs652253, ClinGen allele CA227417796.
Genomic context (GRCh38, chr11:103,222,761, plus strand): 5'-CTAATAGAAAATTATGTTGATAAAACATCTTTAATTTAAAGATTCTGTGTGGTTCAAAAA[A>T]TTTATTTTTAAGTGAAAATAGAGTTCATGTATATTTCTTTTAATCAAAATAGAAGTTCAC-3'